The following is an entry in ClinVar:

ClinVar aggregate classification (germline): Conflicting classifications of pathogenicity. Review status: criteria provided, conflicting classifications (1 of 4 stars). 8 submissions from 8 submitters: Uncertain significance (2); Likely benign (5). 1 of the submissions does not count toward it. Last evaluated 2026-01-18.

Conditions:
MYH2-related disorder. Also called: MYH2-related condition.
Myopathy, proximal, and ophthalmoplegia (CMYO6). Also called: MYOPATHY WITH CONGENITAL JOINT CONTRACTURES, OPHTHALMOPLEGIA, AND RIMMED VACUOLES; INCLUSION BODY MYOPATHY 3, AUTOSOMAL DOMINANT; CONGENITAL MYOPATHY 6 WITH OPHTHALMOPLEGIA. Identifiers: Orphanet 363677, Orphanet 79091, MedGen C1854106, MONDO:0011577, OMIM 605637.

Allele frequency attached by ClinVar (database versions not stated): ExAC 0.00135; gnomAD exomes 0.00201 and 0.00118; 1000 Genomes Project 30x 0.00078; 1000 Genomes Project 0.00100; TOPMed 0.00114; gnomAD 0.00123 and 0.00129; ESP Exome Variant Server 0.00131.
gnomAD v4.1: 3,102 of 1,614,128 alleles (0.19%); highest among the groups gnomAD compares: Non-Finnish European, 0.23%; 8 homozygotes.

Submissions (8):

Labcorp Genetics (formerly Invitae), Labcorp
Classification: Likely benign for Myopathy, proximal, and ophthalmoplegia. Last evaluated: 2026-01-18. Review status: criteria provided, single submitter. Criteria: Invitae Variant Classification Sherloc (09022015). Collection method: clinical testing. Allele origin: germline.

Athena Diagnostics
Classification: Likely benign. Last evaluated: 2025-09-26. Review status: criteria provided, single submitter. Criteria: Athena Diagnostics Criteria. Collection method: clinical testing. Allele origin: unknown.
Comment: The frequency of this variant in the general population is higher than would generally be expected for pathogenic variants in this gene. Computational tools predict this amino acid change may be benign.

CeGaT Center for Human Genetics Tuebingen
Classification: Likely benign. Last evaluated: 2025-02-01. Review status: criteria provided, single submitter. Criteria: CeGaT Center For Human Genetics Tuebingen Variant Classification Criteria Version 2. Collection method: clinical testing. Allele origin: germline. Affected: yes. Observed: 3 variant alleles.
Comment: MYH2: PP3, BS2

Mayo Clinic Laboratories, Mayo Clinic
Classification: Uncertain significance. Last evaluated: 2020-11-17. Review status: criteria provided, single submitter. Criteria: ACMG Guidelines, 2015. Collection method: clinical testing. Allele origin: germline. Observed: 1 variant allele.

GeneDx
Classification: Likely benign. Last evaluated: 2020-09-11. Review status: criteria provided, single submitter. Criteria: GeneDx Variant Classification Process June 2021. Collection method: clinical testing. Allele origin: germline. Affected: yes.
Comment: This variant is associated with the following publications: (PMID: 25617006)

Genetic Services Laboratory, University of Chicago
Classification: Likely benign. Last evaluated: 2020-08-11. Review status: criteria provided, single submitter. Criteria: ACMG Guidelines, 2015. Collection method: clinical testing. Allele origin: germline. Affected: no.

Eurofins Ntd Llc (ga)
Classification: Uncertain significance. Last evaluated: 2015-01-22. Review status: criteria provided, single submitter. Criteria: EGL Classification Definitions 2015. Collection method: clinical testing. Allele origin: germline. Observed: 1 variant allele, 1 heterozygote.

PreventionGenetics, part of Exact Sciences
Classification: Likely benign for MYH2-related condition. Last evaluated: 2022-02-17. Review status: no assertion criteria provided. Collection method: clinical testing. Allele origin: germline. Not counted in ClinVar's aggregate classification.
Comment: This variant is classified as likely benign based on ACMG/AMP sequence variant interpretation guidelines (Richards et al. 2015 PMID: 25741868, with internal and published modifications).

Literature cited by the submitters: PubMed 32232851 (cited by Athena Diagnostics); PubMed 25617006 (cited by Athena Diagnostics).

NM_017534.6(MYH2):c.3127T>G (p.Ser1043Ala)

Genes: MYHAS (myosin heavy chain gene cluster antisense RNA; plus strand), MYH2 (myosin heavy chain 2; minus strand). Cytogenetic location: 17p13.1.
Variant type: single nucleotide variant.
Coding change: c.3127T>G on transcript NM_017534.6 (MANE Select); coding-DNA position 3127, T replaced by G.
Protein change: p.Ser1043Ala; replaces serine 1043 with alanine.
Molecular consequence: missense variant.
Genome position (GRCh38, 1-based): chr17:10,529,472, A>C on the plus strand (T>G on the coding strand, the complement: MYH2 is on the minus strand). VCF-style: chr17-10529472-A-C. GRCh37 (hg19) VCF-style: chr17-10432789-A-C.
Other names: c.3127T>G, p.Ser1043Ala (NM_001100112.2); short protein forms S1043A.
Identifiers: ClinVar variation 195898 (VCV000195898.51), dbSNP rs11658164, ClinGen allele CA242563.